The following is an entry in ClinVar:

NM_004667.6(HERC2):c.13234C>G (p.Arg4412Gly)

Gene: HERC2 (HECT and RLD domain containing E3 ubiquitin protein ligase 2; minus strand). Cytogenetic location: 15q13.1.
Variant type: single nucleotide variant.
Coding change: c.13234C>G on transcript NM_004667.6 (MANE Select); coding-DNA position 13234, C replaced by G.
Protein change: p.Arg4412Gly; replaces arginine 4412 with glycine.
Molecular consequence: missense variant.
Genome position (GRCh38, 1-based): chr15:28,121,384, G>C on the plus strand (C>G on the coding strand, the complement: HERC2 is on the minus strand). VCF-style: chr15-28121384-G-C. GRCh37 (hg19) VCF-style: chr15-28366530-G-C.
Other names: NC_000015.9:g.28366530G>C; c.13234C>G (NM_004667.4); short protein forms R4412G.
Identifiers: ClinVar variation 1197931 (VCV001197931.8), dbSNP rs747054677, ClinGen allele CA7440084.

ClinVar aggregate classification (germline): Uncertain significance. Review status: criteria provided, multiple submitters, no conflicts (2 of 4 stars). 2 submissions from 2 submitters: Uncertain significance (2). Last evaluated 2025-06-24.

Conditions:
Inborn genetic diseases. Identifiers: MedGen C0950123, MeSH D030342.

Allele frequency attached by ClinVar (database versions not stated): ExAC 0.00002; gnomAD 0.00004.
gnomAD v4.1: 118 of 1,614,056 alleles (0.0073%); highest among the groups gnomAD compares: Non-Finnish European, 0.0097%; no homozygotes.

Submissions (3):

Ambry Genetics
Classification: Uncertain significance for Inborn genetic diseases. Last evaluated: 2025-06-24. Review status: criteria provided, single submitter. Criteria: Ambry Variant Classification Scheme 2023. Collection method: clinical testing. Allele origin: germline.

GeneDx
Classification: Uncertain significance. Last evaluated: 2024-11-11. Review status: criteria provided, single submitter. Criteria: GeneDx Variant Classification Process June 2021. Collection method: clinical testing. Allele origin: germline. Affected: yes.
Comment: In silico analysis supports that this missense variant has a deleterious effect on protein structure/function; Has not been previously published as pathogenic or benign to our knowledge

Dr. Peter K. Rogan Lab, Western University
No classification provided (evidence only). Condition: Ovarian serous cystadenocarcinoma. Review status: no classification provided. Collection method: in vitro. Allele origin: not applicable. Functional consequence: retained intron. Not counted in ClinVar's aggregate classification.